The following is an entry in ClinVar:

ClinVar aggregate classification (germline): Uncertain significance. Review status: criteria provided, multiple submitters, no conflicts (2 of 4 stars). 3 submissions from 3 submitters: Uncertain significance (3). Last evaluated 2025-02-01.

Conditions:
Inborn genetic diseases. Identifiers: MedGen C0950123, MeSH D030342.
Biotinidase deficiency. Also called: BTD deficiency; Late-onset biotin-responsive multiple carboxylase deficiency; Biotin deficiency. Identifiers: Orphanet 79241, MedGen C0220754, MONDO:0009665, OMIM 253260.

gnomAD v4.1: 165 of 1,614,090 alleles (0.01%); highest among the groups gnomAD compares: Non-Finnish European, 0.014%; no homozygotes.

Submissions (3):

Ambry Genetics
Classification: Uncertain significance for Inborn genetic diseases. Last evaluated: 2025-02-01. Review status: criteria provided, single submitter. Criteria: Ambry Variant Classification Scheme 2023. Collection method: clinical testing. Allele origin: germline.

Labcorp Genetics (formerly Invitae), Labcorp
Classification: Uncertain significance for Biotinidase deficiency. Last evaluated: 2024-04-25. Review status: criteria provided, single submitter. Criteria: Invitae Variant Classification Sherloc (09022015). Collection method: clinical testing. Allele origin: germline.
Comment: This sequence change replaces glutamine, which is neutral and polar, with histidine, which is basic and polar, at codon 88 of the BTD protein (p.Gln88His). This variant is present in population databases (rs781457122, gnomAD 0.008%). This variant has not been reported in the literature in individuals affected with BTD-related conditions. Advanced modeling of protein sequence and biophysical properties (such as structural, functional, and spatial information, amino acid conservation, physicochemical variation, residue mobility, and thermodynamic stability) performed at Invitae indicates that this missense variant is expected to disrupt BTD protein function with a positive predictive value of 95%. In summary, the available evidence is currently insufficient to determine the role of this variant in disease. Therefore, it has been classified as a Variant of Uncertain Significance.

Blueprint Genetics
Classification: Uncertain significance. Last evaluated: 2020-11-11. Review status: criteria provided, single submitter. Criteria: ACMG Guidelines, 2015. Collection method: clinical testing. Allele origin: germline.

NM_001370658.1(BTD):c.204G>C (p.Gln68His)

Gene: BTD (biotinidase; plus strand). Cytogenetic location: 3p25.1.
Variant type: single nucleotide variant.
Coding change: c.204G>C on transcript NM_001370658.1 (MANE Select); coding-DNA position 204, G replaced by C.
Protein change: p.Gln68His; replaces glutamine 68 with histidine.
Molecular consequence: missense variant.
Genome position (GRCh38, 1-based): chr3:15,635,643, G>C. VCF-style: chr3-15635643-G-C. GRCh37 (hg19) VCF-style: chr3-15677150-G-C.
Other names: c.204G>C, p.Gln68His (NM_001281723.4, NM_001281724.3, NM_001281725.3 and 37 more transcripts); c.264G>C (NM_000060.2); short protein forms Q68H.
Identifiers: ClinVar variation 3669707 (VCV003669707.3).
Genomic context (GRCh38, chr3:15,635,643, plus strand): 5'-CCTGAGTCTGAACCCTCTGGCTCTCATCAGCCGCCAAGAGGCCTTGGAGCTCATGAACCA[G>C]AACCTTGACATCTATGAACAGCAAGTGATGACTGCAGCCCAAAAGGCAAGAATGCTCCTC-3'
Protein context (NP_001357587.1, residues 58-78): SRQEALELMN[Gln68His]NLDIYEQQVM